The following is an entry in ClinVar:

NM_004817.4(TJP2):c.488G>A (p.Ser163Asn)

Gene: TJP2 (tight junction protein 2; plus strand). Cytogenetic location: 9q21.11.
Variant type: single nucleotide variant.
Coding change: c.488G>A on transcript NM_004817.4 (MANE Select); coding-DNA position 488, G replaced by A.
Protein change: p.Ser163Asn; replaces serine 163 with asparagine.
Molecular consequence: missense variant.
Genome position (GRCh38, 1-based): chr9:69,221,032, G>A. VCF-style: chr9-69221032-G-A. GRCh37 (hg19) VCF-style: chr9-71835948-G-A.
Other names: c.419G>A, p.Ser140Asn (NM_001170414.2, NM_001369870.1, NM_001369871.1); c.500G>A, p.Ser167Asn (NM_001170415.1, NM_001369874.1, NM_001369875.1); c.581G>A, p.Ser194Asn (NM_001170416.2); c.488G>A, p.Ser163Asn (NM_001369872.1, NM_001369873.1, NM_201629.3); short protein forms S140N, S194N, S163N, S167N.
Identifiers: ClinVar variation 3177672 (VCV003177672.3), dbSNP rs1828782858, ClinGen allele CA373528257.

ClinVar aggregate classification (germline): Uncertain significance. Review status: criteria provided, multiple submitters, no conflicts (2 of 4 stars). 3 submissions from 3 submitters: Uncertain significance (3). Last evaluated 2026-08-03.

Conditions:
Inborn genetic diseases. Identifiers: MedGen C0950123, MeSH D030342.
TJP2-related disorder. Also called: TJP2-related condition.

Allele frequency attached by ClinVar (database versions not stated): TOPMed 0.00001.

Submissions (3):

PreventionGenetics, part of Exact Sciences
Classification: Uncertain significance for TJP2-related condition. Last evaluated: 2026-08-03. Review status: criteria provided, single submitter. Criteria: ACMG Guidelines, 2015. Collection method: clinical testing. Allele origin: germline.
Comment: The TJP2 c.488G>A variant is predicted to result in the amino acid substitution p.Ser163Asn. To our knowledge, this variant has not been reported in the literature or in a large population database (gnomAD), indicating this variant is rare. At this time, the clinical significance of this variant is uncertain due to the absence of conclusive functional and genetic evidence.

GeneDx
Classification: Uncertain significance. Last evaluated: 2024-01-02. Review status: criteria provided, single submitter. Criteria: GeneDx Variant Classification Process June 2021. Collection method: clinical testing. Allele origin: germline. Affected: yes.
Comment: Not observed at significant frequency in large population cohorts (gnomAD); In silico analysis supports that this missense variant does not alter protein structure/function; Has not been previously published as pathogenic or benign to our knowledge

Ambry Genetics
Classification: Uncertain significance for Inborn genetic diseases. Last evaluated: 2023-12-15. Review status: criteria provided, single submitter. Criteria: Ambry Variant Classification Scheme 2023. Collection method: clinical testing. Allele origin: germline.